The following is an entry in ClinVar:

NM_017780.4(CHD7):c.2012C>T (p.Pro671Leu)

Genes: CHD7 (chromodomain helicase DNA binding protein 7; plus strand), LOC126860403 (CDK7 strongly-dependent group 2 enhancer GRCh37_chr8:61693034-61694233; plus strand). Cytogenetic location: 8q12.2.
Variant type: single nucleotide variant.
Coding change: c.2012C>T on transcript NM_017780.4 (MANE Select); coding-DNA position 2012, C replaced by T.
Protein change: p.Pro671Leu; replaces proline 671 with leucine.
Molecular consequence: missense variant. On other transcripts: intron variant (1).
Genome position (GRCh38, 1-based): chr8:60,781,346, C>T. VCF-style: chr8-60781346-C-T. GRCh37 (hg19) VCF-style: chr8-61693905-C-T.
Other names: c.1716+296C>T (NM_001316690.1); short protein forms P671L.
Identifiers: ClinVar variation 363449 (VCV000363449.50), dbSNP rs370588681, ClinGen allele CA4759596.
Genomic context (GRCh38, chr8:60,781,346, plus strand): 5'-AAGACCCGAAGGAACCGAAAGAACCCAAGGAGAAAAAAGAGCCCAAGGAACCCAAGACCC[C>T]GAAAGCCCCTAAGATTCCCAAAGAGCCAAAGGAAAAGAAAGCAAAAACTGCCACGCCAAA-3'
Protein context (NP_060250.2, residues 661-681): EKKEPKEPKT[Pro671Leu]KAPKIPKEPK

ClinVar aggregate classification (germline): Benign/Likely benign. Review status: criteria provided, multiple submitters, no conflicts (2 of 4 stars). 7 submissions from 7 submitters: Benign (5); Likely benign (2). Last evaluated 2026-05-01.

Conditions:
CHARGE syndrome (CHARGE). Also called: CHARGE ASSOCIATION--COLOBOMA, HEART ANOMALY, CHOANAL ATRESIA, RETARDATION, GENITAL AND EAR ANOMALIES; Coloboma, heart anomaly, choanal atresia, retardation, genital and ear anomalies; CHARGE association; Hall-Hittner syndrome; Hittner Hirsch Kreh syndrome. Identifiers: Orphanet 138, MedGen C0265354, MONDO:0008965.
Inborn genetic diseases. Identifiers: MedGen C0950123, MeSH D030342.
Hypogonadotropic hypogonadism 5 with or without anosmia (KAL5). Also called: HYPOGONADOTROPIC HYPOGONADISM 5 WITH ANOSMIA; HYPOGONADOTROPHIC HYPOGONADISM 5 WITHOUT ANOSMIA; CHD7-Related GnRH Deficiency (Kallmann Syndrome 5). Identifiers: Orphanet 478, MedGen C3552553, MONDO:0012880, OMIM 612370. Disease mechanism: loss of function.

Allele frequency attached by ClinVar (database versions not stated): TOPMed 0.00008; ESP Exome Variant Server 0.00017; 1000 Genomes Project 30x 0.00125; 1000 Genomes Project 0.00160; ExAC 0.00226.
gnomAD v4.1: 699 of 1,567,606 alleles (0.045%); highest among the groups gnomAD compares: South Asian, 0.73%; 15 homozygotes.

Submissions (7):

CeGaT Center for Human Genetics Tuebingen
Classification: Benign. Last evaluated: 2026-05-01. Review status: criteria provided, single submitter. Criteria: CeGaT Center For Human Genetics Tuebingen Variant Classification Criteria Version 2. Collection method: clinical testing. Allele origin: germline. Affected: yes. Observed: 4 variant alleles.
Comment: CHD7: PP3, BS1, BS2

Labcorp Genetics (formerly Invitae), Labcorp
Classification: Benign for CHARGE syndrome. Last evaluated: 2025-11-09. Review status: criteria provided, single submitter. Criteria: Invitae Variant Classification Sherloc (09022015). Collection method: clinical testing. Allele origin: germline.

Blueprint Genetics
Classification: Likely benign. Last evaluated: 2024-11-19. Review status: criteria provided, single submitter. Criteria: ACMG Guidelines, 2015. Collection method: clinical testing. Allele origin: germline.

GeneDx
Classification: Benign. Last evaluated: 2019-04-15. Review status: criteria provided, single submitter. Criteria: GeneDx Variant Classification Process June 2021. Collection method: clinical testing. Allele origin: germline. Affected: yes.

Illumina Laboratory Services, Illumina
Classification: Benign for Kallmann Syndrome 5. Last evaluated: 2018-01-13. Review status: criteria provided, single submitter. Criteria: ICSL Variant Classification Criteria 13 December 2019. Collection method: clinical testing. Allele origin: germline.
Comment: This variant was observed in the ICSL laboratory as part of a predisposition screen in an ostensibly healthy population. It had not been previously curated by ICSL or reported in the Human Gene Mutation Database (HGMD: prior to June 1st, 2018), and was therefore a candidate for classification through an automated scoring system. Utilizing variant allele frequency, disease prevalence and penetrance estimates, and inheritance mode, an automated score was calculated to assess if this variant is too frequent to cause the disease. Based on the score and internal cut-off values, a variant classified as benign is not then subjected to further curation. The score for this variant resulted in a classification of benign for this disease.

Genetic Services Laboratory, University of Chicago
Classification: Benign. Last evaluated: 2017-07-03. Review status: criteria provided, single submitter. Criteria: ACMG Guidelines, 2015. Collection method: clinical testing. Allele origin: germline. Affected: no.

Ambry Genetics
Classification: Likely benign for Inborn genetic diseases. Last evaluated: 2017-03-02. Review status: criteria provided, single submitter. Criteria: Ambry Variant Classification Scheme 2023. Collection method: clinical testing. Allele origin: germline.